The following is an entry in ClinVar:

ClinVar aggregate classification (germline): Likely pathogenic (0 of 4 stars; one submission).

Conditions:
Spinocerebellar ataxia, autosomal recessive 27. Identifiers: MedGen C5193058, MONDO:0032706, OMIM 618369.

Submission:

Solve-RD Consortium
Classification: Likely pathogenic for Spinocerebellar ataxia, autosomal recessive 27. Last evaluated: 2022-06-01. Review status: no assertion criteria provided. Collection method: provider interpretation. Allele origin: inherited. Affected: yes.
Comment: Variant confirmed as disease-causing by referring clinical team

Variant identified during reanalysis of unsolved cases by the Solve-RD project. The Solve-RD project has received funding from the European Union’s Horizon 2020 research and innovation programme under grant agreement No 779257.

Literature cited by the submitters: PubMed 39825153.

NM_017686.4(GDAP2):c.134del (p.Pro45fs)

Gene: GDAP2 (ganglioside induced differentiation associated protein 2; minus strand). Cytogenetic location: 1p12.
Variant type: Deletion.
Coding change: c.134del on transcript NM_017686.4 (MANE Select); coding-DNA position 134, one base deleted (C; older notation c.134delC).
Protein change: p.Pro45fs; shifts the reading frame from proline 45.
Molecular consequence: frameshift variant.
Genome position (GRCh38, 1-based): chr1:117,920,224, G deleted on the plus strand (C on the coding strand, the reverse complement: GDAP2 is on the minus strand); the first of 2 consecutive G bases (chr1:117,920,224-117,920,225); deleting either gives the same sequence. VCF-style (leftmost placement, unchanged base first): chr1-117920223-AG-A. GRCh37 (hg19) VCF-style: chr1-118462846-AG-A.
Other names: c.134del, p.Pro45fs (NM_001135589.3); short protein forms P45fs.
Identifiers: ClinVar variation 3338091 (VCV003338091.1).